The following is an entry in ClinVar:

ClinVar aggregate classification (germline): Pathogenic (1 of 4 stars; one submission).

Conditions:
Mucopolysaccharidosis, MPS-I-S. Also called: MPS V; MUCOPOLYSACCHARIDOSIS TYPE V; Scheie Syndrome; MUCOPOLYSACCHARIDOSIS TYPE IS. Identifiers: Orphanet 93474, MedGen C0026708, MONDO:0011760, OMIM 607016.

Submission:

Foundation for Research in Genetics and Endocrinology, FRIGE's Institute of Human Genetics
Classification: Pathogenic for Mucopolysaccharidosis, MPS-I-S. Last evaluated: 2023-06-24. Review status: criteria provided, single submitter. Criteria: ACMG Guidelines, 2015. Collection method: clinical testing. Allele origin: germline. Inheritance: Autosomal recessive inheritance. Affected: yes. Observed: 1 homozygote.
Comment: A homozygous twelve base pair deletion in exon 1 of the IDUA gene that results in a frameshift and premature truncation of the protein 92 amino acids downstream to codon 12 (p.Ala12ArgfsTer92) was detected . This variant has not been reported in the 1000 genomes and gnomAD databases. The in-silico prediction of the variant is disease causing by MutationTaster2. In summary, the variant meets our criteria to be classified as pathogenic.

NM_000203.5(IDUA):c.34_46del (p.Ala12fs)

Genes: IDUA (alpha-L-iduronidase; plus strand), SLC26A1 (solute carrier family 26 member 1; minus strand). Cytogenetic location: 4p16.3.
Variant type: Deletion.
Coding change: c.34_46del on transcript NM_000203.5 (MANE Select); coding-DNA positions 34 to 46, 13 bases deleted (GCGCTCCTGGCCT).
Protein change: p.Ala12fs; shifts the reading frame from alanine 12.
Molecular consequence: frameshift variant. On other transcripts: non-coding transcript variant (1), intron variant (1).
Genome position (GRCh38, 1-based): chr4:987,118-987,130, GCGCTCCTGGCCT deleted. VCF-style (leftmost placement, unchanged base first): chr4-987117-GGCGCTCCTGGCCT-G. GRCh37 (hg19) VCF-style: chr4-980905-GGCGCTCCTGGCCT-G.
Other names: p.Ala12ArgfsTer92; c.576+3998_576+4010del (NM_134425.4); short protein forms A12fs.
Identifiers: ClinVar variation 2506987 (VCV002506987.2), dbSNP rs2534003354, ClinGen allele CA2580616110.
Genomic context (GRCh38, chr4:987,117, plus strand): 5'-GCCCCGCAGTCCCCGAGCACGCGTGGCCATGCGTCCCCTGCGCCCCCGCGCCGCGCTGCT[GGCGCTCCTGGCCT>G]CGCTCCTGGCCGCGCCCCCGGTGGCCCCGGCCGAGGCCCCGCACCTGGTGCATGTGGACG-3'